The following is an entry in ClinVar:

NM_002471.4(MYH6):c.4395_4396delinsAG (p.Gln1466Glu)

Gene: MYH6 (myosin heavy chain 6; minus strand). Cytogenetic location: 14q11.2.
Variant type: Indel.
Coding change: c.4395_4396delinsAG on transcript NM_002471.4 (MANE Select); coding-DNA positions 4395 to 4396, GC replaced by AG.
Protein change: p.Gln1466Glu; replaces glutamine 1466 with glutamic acid.
Molecular consequence: missense variant.
Genome position (GRCh38, 1-based): chr14:23,387,887-23,387,888, GC replaced by CT on the plus strand (GC replaced by AG on the coding strand, the reverse complement: MYH6 is on the minus strand). VCF-style: chr14-23387887-GC-CT. GRCh37 (hg19) VCF-style: chr14-23857096-GC-CT.
Other names: c.4395_4396delGCinsAG (NM_002471.3); short protein forms Q1466E.
Identifiers: ClinVar variation 470540 (VCV000470540.10), dbSNP rs1555333437, ClinGen allele CA658658240.

ClinVar aggregate classification (germline): Uncertain significance. Review status: criteria provided, multiple submitters, no conflicts (2 of 4 stars). 3 submissions from 3 submitters: Uncertain significance (3). Last evaluated 2025-04-20.

Conditions:
Dilated cardiomyopathy 1EE (CMD1EE). Identifiers: Orphanet 154, MedGen C2750466, MONDO:0013198, OMIM 613252.
Sick sinus syndrome 3, susceptibility to (SSS3). Identifiers: Orphanet 166282, MedGen C3279791, MONDO:0013568, OMIM 614090.
Atrial septal defect 3 (ASD3). Identifiers: Orphanet 1478, MedGen C3279790, MONDO:0013567, OMIM 614089.
Hypertrophic cardiomyopathy 14. Identifiers: MedGen C2750467, MONDO:0013197, OMIM 613251.
Hypertrophic cardiomyopathy 1 (CMH1). Also called: Familial hypertrophic cardiomyopathy 1; MYH7-Related Familial Hypertrophic Cardiomyopathy. Identifiers: MedGen C3495498, MONDO:0008647, OMIM 192600.
Cardiovascular phenotype. Identifiers: MedGen CN230736.

Submissions (3):

Labcorp Genetics (formerly Invitae), Labcorp
Classification: Uncertain significance for Hypertrophic cardiomyopathy 14. Last evaluated: 2025-04-20. Review status: criteria provided, single submitter. Criteria: Invitae Variant Classification Sherloc (09022015). Collection method: clinical testing. Allele origin: germline.
Comment: This sequence change replaces glutamine, which is neutral and polar, with glutamic acid, which is acidic and polar, at codon 1466 of the MYH6 protein (p.Gln1466Glu). Information on the frequency of this variant in the gnomAD database is not available, as this variant may be reported differently in the database. This variant has not been reported in the literature in individuals affected with MYH6-related conditions. ClinVar contains an entry for this variant (Variation ID: 470540). Experimental studies and prediction algorithms are not available or were not evaluated, and the functional significance of this variant is currently unknown. In summary, the available evidence is currently insufficient to determine the role of this variant in disease. Therefore, it has been classified as a Variant of Uncertain Significance.

Fulgent Genetics
Classification: Uncertain significance for Hypertrophic cardiomyopathy 1; Hypertrophic cardiomyopathy 14; Dilated cardiomyopathy 1EE; Atrial septal defect 3; Sick sinus syndrome 3, susceptibility to. Last evaluated: 2021-09-22. Review status: criteria provided, single submitter. Criteria: ACMG Guidelines, 2015. Collection method: clinical testing. Allele origin: unknown.

Ambry Genetics
Classification: Uncertain significance for Cardiovascular phenotype. Last evaluated: 2021-05-05. Review status: criteria provided, single submitter. Criteria: Ambry Variant Classification Scheme 2023. Collection method: clinical testing. Allele origin: germline.
Comment: The c.4395_4396delGCinsAG variant (also known as p.Q1466E), located in coding exon 29 of the MYH6 gene, results from an in-frame deletion of GC and insertion of AG at nucleotide positions 4395 to 4396. This results in the substitution of the glutamine residue for a glutamic acid residue at codon 1466, an amino acid with highly similar properties. Based on data from gnomAD, this allele has an overall frequency of 0.0008% (2/250274) total alleles studied. The highest observed frequency was 0.00006% (1/16190) of African/African American alleles. This amino acid position is highly conserved in available vertebrate species. In addition, this alteration is predicted to be neutral by in silico analysis (Choi Y et al. PLoS ONE. 2012; 7(10):e46688). Since supporting evidence is limited at this time, the clinical significance of this alteration remains unclear.